The following is an entry in ClinVar:

ClinVar aggregate classification (germline): Likely benign. Review status: criteria provided, multiple submitters, no conflicts (2 of 4 stars). 2 submissions from 2 submitters: Likely benign (2). Last evaluated 2025-08-19.

Conditions:
Inborn genetic diseases. Identifiers: MedGen C0950123, MeSH D030342.
MAP1B-related disorder. Also called: MAP1B-related condition.

gnomAD v4.1: 74 of 1,613,974 alleles (0.0046%); highest among the groups gnomAD compares: African/African-American, 0.087%; no homozygotes.

Submissions (2):

PreventionGenetics, part of Exact Sciences
Classification: Likely benign for MAP1B-related condition. Last evaluated: 2025-08-19. Review status: criteria provided, single submitter. Criteria: ACMG Guidelines, 2015. Collection method: clinical testing. Allele origin: germline.
Comment: This variant is classified as likely benign based on ACMG/AMP sequence variant interpretation guidelines (Richards et al. 2015 PMID: 25741868, with internal and published modifications).

Ambry Genetics
Classification: Likely benign for Inborn genetic diseases. Last evaluated: 2024-11-09. Review status: criteria provided, single submitter. Criteria: Ambry Variant Classification Scheme 2023. Collection method: clinical testing. Allele origin: germline.

NM_005909.5(MAP1B):c.6977C>T (p.Ala2326Val)

Gene: MAP1B (microtubule associated protein 1B; plus strand). Cytogenetic location: 5q13.2.
Variant type: single nucleotide variant.
Coding change: c.6977C>T on transcript NM_005909.5 (MANE Select); coding-DNA position 6977, C replaced by T.
Protein change: p.Ala2326Val; replaces alanine 2326 with valine.
Molecular consequence: missense variant.
Genome position (GRCh38, 1-based): chr5:72,200,332, C>T. VCF-style: chr5-72200332-C-T. GRCh37 (hg19) VCF-style: chr5-71496159-C-T.
Other names: c.6977C>T (NM_005909.4); c.6599C>T, p.Ala2200Val (NM_001324255.2); short protein forms A2326V, A2200V.
Identifiers: ClinVar variation 3542611 (VCV003542611.2).
Genomic context (GRCh38, chr5:72,200,332, plus strand): 5'-CTGAGGTCAAAGCTGCACGTGGGGAAGAGAAAGACAAGGAGACCAAGAATGCTGCCAATG[C>T]CTCTGCATCCAAGTCGGCCAAGACCGCCACTGCAGGTAGGTTGAGAAGGCTGGGCATTGG-3'
Protein context (NP_005900.2, residues 2316-2336): KDKETKNAAN[Ala2326Val]SASKSAKTAT